The following is an entry in ClinVar:

ClinVar aggregate classification (germline): Uncertain significance (1 of 4 stars; one submission).

gnomAD v4.1: 1 of 1,582,596 alleles (0.000063%); highest among the groups gnomAD compares: East Asian, 0.0022%; no homozygotes.

Submission:

Ambry Genetics
Classification: Uncertain significance. Last evaluated: 2024-12-17. Review status: criteria provided, single submitter. Criteria: Ambry Variant Classification Scheme 2023. Collection method: clinical testing. Allele origin: germline.
Comment: The p.H329P variant (also known as c.986A>C), located in coding exon 8 of the GEN1 gene, results from an A to C substitution at nucleotide position 986. The histidine at codon 329 is replaced by proline, an amino acid with similar properties. This amino acid position is conserved. In addition, this alteration is predicted to be tolerated by in silico analysis. Based on the available evidence, the clinical significance of this variant remains unclear.

NM_001130009.3(GEN1):c.986A>C (p.His329Pro)

Gene: GEN1 (GEN1 Holliday junction 5' flap endonuclease; plus strand). Cytogenetic location: 2p24.2.
Variant type: single nucleotide variant.
Coding change: c.986A>C on transcript NM_001130009.3 (MANE Select); coding-DNA position 986, A replaced by C.
Protein change: p.His329Pro; replaces histidine 329 with proline.
Molecular consequence: missense variant.
Genome position (GRCh38, 1-based): chr2:17,773,128, A>C. VCF-style: chr2-17773128-A-C. GRCh37 (hg19) VCF-style: chr2-17954395-A-C.
Other names: c.986A>C, p.His329Pro (NM_182625.5); short protein forms H329P.
Identifiers: ClinVar variation 3853435 (VCV003853435.1).